The following is an entry in ClinVar:

NM_004369.4(COL6A3):c.1288A>G (p.Lys430Glu)

Gene: COL6A3 (collagen type VI alpha 3 chain; minus strand). Cytogenetic location: 2q37.3.
Variant type: single nucleotide variant.
Coding change: c.1288A>G on transcript NM_004369.4 (MANE Select); coding-DNA position 1288, A replaced by G.
Protein change: p.Lys430Glu; replaces lysine 430 with glutamic acid.
Molecular consequence: missense variant. On other transcripts: intron variant (2).
Genome position (GRCh38, 1-based): chr2:237,387,606, T>C on the plus strand (A>G on the coding strand, the complement: COL6A3 is on the minus strand). VCF-style: chr2-237387606-T-C. GRCh37 (hg19) VCF-style: chr2-238296249-T-C.
Other names: c.670A>G, p.Lys224Glu (NM_057165.5, NM_057167.4); c.92-6107A>G (NM_057166.5, NM_057164.5); short protein forms K224E, K430E.
Identifiers: ClinVar variation 2414082 (VCV002414082.8), dbSNP rs2469947406, ClinGen allele CA351220868.
Genomic context (GRCh38, chr2:237,387,606, plus strand): 5'-CCACTCCCACACAGATGGTGAGAAGAGGATACATACCTTGTGTGACAATGGTTGGCGGTT[T>C]CAAGACAATGTGCCTTTGGGCCACGCCAACAATGTACGGCAGTAATTTCTCCTGGAGGTC-3'
Protein context (NP_004360.2, residues 420-440): VGVAQRHIVL[Lys430Glu]PPTIVTQVIE

ClinVar aggregate classification (germline): Uncertain significance (1 of 4 stars; one submission).

Conditions:
Bethlem myopathy 1A. Also called: Bethlem Muscular Dystrophy; MYOPATHY, BENIGN CONGENITAL, WITH CONTRACTURES; Bethlem myopathy 1. Identifiers: Orphanet 610, MedGen CN029274, MONDO:0024530, OMIM 158810.

Allele frequency attached by ClinVar (database versions not stated): gnomAD exomes below 0.00001.

Submission:

Labcorp Genetics (formerly Invitae), Labcorp
Classification: Uncertain significance for Bethlem myopathy 1A. Last evaluated: 2022-08-28. Review status: criteria provided, single submitter. Criteria: Invitae Variant Classification Sherloc (09022015). Collection method: clinical testing. Allele origin: germline.
Comment: In summary, the available evidence is currently insufficient to determine the role of this variant in disease. Therefore, it has been classified as a Variant of Uncertain Significance. Advanced modeling of protein sequence and biophysical properties (such as structural, functional, and spatial information, amino acid conservation, physicochemical variation, residue mobility, and thermodynamic stability) performed at Invitae indicates that this missense variant is not expected to disrupt COL6A3 protein function. This variant has not been reported in the literature in individuals affected with COL6A3-related conditions. This variant is not present in population databases (gnomAD no frequency). This sequence change replaces lysine, which is basic and polar, with glutamic acid, which is acidic and polar, at codon 430 of the COL6A3 protein (p.Lys430Glu).